The following is an entry in ClinVar:

NM_152564.5(VPS13B):c.6652C>A (p.Leu2218Ile)

Gene: VPS13B (vacuolar protein sorting 13 homolog B; plus strand). Cytogenetic location: 8q22.2.
Variant type: single nucleotide variant.
Coding change: c.6652C>A on transcript NM_152564.5 (MANE Select); coding-DNA position 6652, C replaced by A.
Protein change: p.Leu2218Ile; replaces leucine 2218 with isoleucine.
Molecular consequence: missense variant.
Genome position (GRCh38, 1-based): chr8:99,717,368, C>A. VCF-style: chr8-99717368-C-A. GRCh37 (hg19) VCF-style: chr8-100729596-C-A.
Other names: c.6727C>A, p.Leu2243Ile (NM_017890.5); short protein forms L2218I, L2243I.
Identifiers: ClinVar variation 966663 (VCV000966663.8), dbSNP rs559107679, ClinGen allele CA4824047.

ClinVar aggregate classification (germline): Uncertain significance. Review status: criteria provided, multiple submitters, no conflicts (2 of 4 stars). 3 submissions from 3 submitters: Uncertain significance (2). 1 of the submissions does not count toward it. Last evaluated 2022-07-12.

Conditions:
Cohen syndrome (COH1). Also called: PEPPER SYNDROME; Cutis verticis gyrata, retinitis pigmentosa, and sensorineural deafness. Identifiers: Orphanet 193, MedGen C0265223, MONDO:0008999, OMIM 216550.

Allele frequency attached by ClinVar (database versions not stated): TOPMed 0.00002; ExAC 0.00003; gnomAD exomes 0.00003 and below 0.00001; 1000 Genomes Project 30x 0.00016; 1000 Genomes Project 0.00020.
gnomAD v4.1: 9 of 1,613,726 alleles (0.00056%); highest among the groups gnomAD compares: East Asian, 0.018%; no homozygotes.

Submissions (3):

Labcorp Genetics (formerly Invitae), Labcorp
Classification: Uncertain significance for Cohen syndrome. Last evaluated: 2022-07-12. Review status: criteria provided, single submitter. Criteria: Invitae Variant Classification Sherloc (09022015). Collection method: clinical testing. Allele origin: germline.
Comment: This sequence change replaces leucine, which is neutral and non-polar, with isoleucine, which is neutral and non-polar, at codon 2243 of the VPS13B protein (p.Leu2243Ile). This variant is present in population databases (rs559107679, gnomAD 0.04%). This variant has not been reported in the literature in individuals affected with VPS13B-related conditions. ClinVar contains an entry for this variant (Variation ID: 966663). Algorithms developed to predict the effect of missense changes on protein structure and function output the following: SIFT: "Not Available"; PolyPhen-2: "Benign"; Align-GVGD: "Not Available". The isoleucine amino acid residue is found in multiple mammalian species, which suggests that this missense change does not adversely affect protein function. Algorithms developed to predict the effect of sequence changes on RNA splicing suggest that this variant may disrupt the consensus splice site. In summary, the available evidence is currently insufficient to determine the role of this variant in disease. Therefore, it has been classified as a Variant of Uncertain Significance.

Blueprint Genetics
Classification: Uncertain significance. Last evaluated: 2020-12-04. Review status: criteria provided, single submitter. Criteria: ACMG Guidelines, 2015. Collection method: clinical testing. Allele origin: germline.

Natera, Inc.
Classification: Uncertain significance for Cohen syndrome. Last evaluated: 2021-03-09. Review status: no assertion criteria provided. Collection method: clinical testing. Allele origin: germline. Not counted in ClinVar's aggregate classification.